The following is an entry in ClinVar:

NM_000057.4(BLM):c.446G>A (p.Ser149Asn)

Gene: BLM (BLM RecQ like helicase; plus strand). Cytogenetic location: 15q26.1.
Variant type: single nucleotide variant.
Coding change: c.446G>A on transcript NM_000057.4 (MANE Select); coding-DNA position 446, G replaced by A.
Protein change: p.Ser149Asn; replaces serine 149 with asparagine.
Molecular consequence: missense variant. On other transcripts: 5 prime UTR variant (1).
Genome position (GRCh38, 1-based): chr15:90,749,714, G>A. VCF-style: chr15-90749714-G-A. GRCh37 (hg19) VCF-style: chr15-91292944-G-A.
Other names: c.446G>A, p.Ser149Asn (NM_001287246.2, NM_001287247.2); c.-846G>A (NM_001287248.2); short protein forms S149N.
Identifiers: ClinVar variation 1740822 (VCV001740822.5), dbSNP rs750929735, ClinGen allele CA7738291.
Genomic context (GRCh38, chr15:90,749,714, plus strand): 5'-AGAAATCCCGGGATACTGCTCTCAAGAAATTAGAATTTAGTTCTTCACCAGATTCTTTAA[G>A]TACCATCAATGATTGGGATGATATGGATGACTTTGATACTTCTGAGACTTCAAAATCATT-3'
Protein context (NP_000048.1, residues 139-159): LEFSSSPDSL[Ser149Asn]TINDWDDMDD

ClinVar aggregate classification (germline): Uncertain significance. Review status: criteria provided, multiple submitters, no conflicts (2 of 4 stars). 2 submissions from 2 submitters: Uncertain significance (2). Last evaluated 2025-04-29.

Conditions:
Hereditary cancer-predisposing syndrome. Also called: Hereditary Cancer Syndrome; Hereditary neoplastic syndrome; Neoplastic Syndromes, Hereditary; Tumor predisposition. Identifiers: Orphanet 140162, MedGen C0027672, MeSH D009386, MONDO:0015356.
Bloom syndrome (BLM). Also called: Bloom-Torre-Machacek syndrome. Identifiers: Orphanet 125, MedGen C0005859, MONDO:0008876, OMIM 210900.

Allele frequency attached by ClinVar (database versions not stated): gnomAD exomes below 0.00001; ExAC 0.00001.

Submissions (2):

Labcorp Genetics (formerly Invitae), Labcorp
Classification: Uncertain significance for Bloom syndrome. Last evaluated: 2025-04-29. Review status: criteria provided, single submitter. Criteria: Invitae Variant Classification Sherloc (09022015). Collection method: clinical testing. Allele origin: germline.
Comment: This sequence change replaces serine, which is neutral and polar, with asparagine, which is neutral and polar, at codon 149 of the BLM protein (p.Ser149Asn). This variant is present in population databases (rs750929735, gnomAD 0.003%). This variant has not been reported in the literature in individuals affected with BLM-related conditions. ClinVar contains an entry for this variant (Variation ID: 1740822). An algorithm developed to predict the effect of missense changes on protein structure and function (PolyPhen-2) suggests that this variant is likely to be tolerated. In summary, the available evidence is currently insufficient to determine the role of this variant in disease. Therefore, it has been classified as a Variant of Uncertain Significance.

Ambry Genetics
Classification: Uncertain significance for Hereditary cancer-predisposing syndrome. Last evaluated: 2022-05-25. Review status: criteria provided, single submitter. Criteria: Ambry Variant Classification Scheme 2023. Collection method: clinical testing. Allele origin: germline.
Comment: The p.S149N variant (also known as c.446G>A), located in coding exon 2 of the BLM gene, results from a G to A substitution at nucleotide position 446. The serine at codon 149 is replaced by asparagine, an amino acid with highly similar properties. This amino acid position is conserved. In addition, this alteration is predicted to be tolerated by in silico analysis. Since supporting evidence is limited at this time, the clinical significance of this alteration remains unclear.